The following is an entry in ClinVar:

NM_001148.6(ANK2):c.7255G>A (p.Glu2419Lys)

Genes: ANK2 (ankyrin 2; plus strand), LOC126807137 (CDK7 strongly-dependent group 2 enhancer GRCh37_chr4:114276560-114277759; plus strand). Cytogenetic location: 4q26.
Variant type: single nucleotide variant.
Coding change: c.7255G>A on transcript NM_001148.6 (MANE Select); coding-DNA position 7255, G replaced by A.
Protein change: p.Glu2419Lys; replaces glutamic acid 2419 with lysine.
Molecular consequence: missense variant. On other transcripts: intron variant (68).
Genome position (GRCh38, 1-based): chr4:113,355,873, G>A. VCF-style: chr4-113355873-G-A. GRCh37 (hg19) VCF-style: chr4-114277029-G-A.
Other names: c.7021G>A, p.Glu2341Lys (NM_001386142.1); c.3655G>A, p.Glu1219Lys (NM_001386166.1); c.7396G>A, p.Glu2466Lys (NM_001386174.1); c.7372G>A, p.Glu2458Lys (NM_001386175.1); c.4412-4950G>A (NM_001386186.2, NM_001386148.2); c.4214-4950G>A (NM_001354269.3); c.4292-4950G>A (NM_001386187.2); c.4253-4950G>A (NM_001386147.1); and 35 more; short protein forms E2419K, E1219K, E2341K, E2458K, E2466K.
Identifiers: ClinVar variation 191193 (VCV000191193.8), dbSNP rs752704424, ClinGen allele CA236220.
Genomic context (GRCh38, chr4:113,355,873, plus strand): 5'-CCTCAGGGAGTCATTAGAAGTCCCCAAGGGTTAGAACTTGCACTCCCTAGCCGAGATAGC[G>A]AAGTCCTCAGCGCTGTGGCTGATGACTCATTAGCAGTGAGCCACAAAGACTCTCTGGAAG-3'
Protein context (NP_001139.3, residues 2409-2429): LELALPSRDS[Glu2419Lys]VLSAVADDSL

ClinVar aggregate classification (germline): Uncertain significance. Review status: criteria provided, multiple submitters, no conflicts (2 of 4 stars). 3 submissions from 3 submitters: Uncertain significance (3). Last evaluated 2025-02-18.

Conditions:
Long QT syndrome (LQTS). Identifiers: MedGen C0023976, MeSH D008133, MONDO:0002442. Disease mechanism: loss of function. Inheritance: Various modes of inheritance.

Allele frequency attached by ClinVar (database versions not stated): gnomAD exomes 0.00001; TOPMed 0.00001; ExAC 0.00001.
gnomAD v4.1: 12 of 1,614,078 alleles (0.00074%); highest among the groups gnomAD compares: South Asian, 0.0066%; no homozygotes.

Submissions (3):

Labcorp Genetics (formerly Invitae), Labcorp
Classification: Uncertain significance for Long QT syndrome. Last evaluated: 2025-02-18. Review status: criteria provided, single submitter. Criteria: Invitae Variant Classification Sherloc (09022015). Collection method: clinical testing. Allele origin: germline.
Comment: This sequence change replaces glutamic acid, which is acidic and polar, with lysine, which is basic and polar, at codon 2419 of the ANK2 protein (p.Glu2419Lys). This variant is present in population databases (rs752704424, gnomAD 0.002%). This variant has not been reported in the literature in individuals affected with ANK2-related conditions. ClinVar contains an entry for this variant (Variation ID: 191193). An algorithm developed to predict the effect of missense changes on protein structure and function (PolyPhen-2) suggests that this variant is likely to be disruptive. In summary, the available evidence is currently insufficient to determine the role of this variant in disease. Therefore, it has been classified as a Variant of Uncertain Significance.

Genomic Medicine Center of Excellence, King Faisal Specialist Hospital and Research Centre
Classification: Uncertain significance. Last evaluated: 2024-02-14. Review status: criteria provided, single submitter. Criteria: ACMG Guidelines, 2015. Collection method: research. Allele origin: germline. Affected: yes.
Comment: reclassified to VUS based on updated frequency (PMID: 31130284)

GeneDx
Classification: Uncertain significance. Last evaluated: 2017-12-11. Review status: criteria provided, single submitter. Criteria: GeneDx Variant Classification (06012015). Collection method: clinical testing. Allele origin: germline. Affected: yes.
Comment: The E2419K variant of uncertain significance in the ANK2 gene has not been published as pathogenic or benign to our knowledge. This variant is not observed at a significant frequency in large population cohorts (Lek et al., 2016; 1000 Genomes Consortium et al., 2015; Exome Variant Server). Furthermore, E2419K is a non-conservative amino acid substitution, which is likely to impact secondary protein structure as these residues differ in polarity, charge, size and/or other properties. This substitution also occurs at a position where only amino acids with similar properties to glutamate are tolerated across species. In addition, the majority of in silico tools predict E2419K is probably damaging the protein structure/function. Moreover, no missense variants in nearby residues have been reported in the Human Gene Mutation Database in association with arrhythmia (Stenson et al., 2014).Therefore, based on the currently available information, it is unclear whether this variant is pathogenic or rare benign.

Literature cited by the submitters: PubMed 31130284 (cited by Genomic Medicine Center of Excellence, King Faisal Specialist Hospital and Research Centre).